The following is an entry in ClinVar:

NM_001378454.1(ALMS1):c.4150C>A (p.His1384Asn)

Gene: ALMS1 (ALMS1 centrosome and basal body associated protein; plus strand). Cytogenetic location: 2p13.1.
Variant type: single nucleotide variant.
Coding change: c.4150C>A on transcript NM_001378454.1 (MANE Select); coding-DNA position 4150, C replaced by A.
Protein change: p.His1384Asn; replaces histidine 1384 with asparagine.
Molecular consequence: missense variant.
Genome position (GRCh38, 1-based): chr2:73,450,677, C>A. VCF-style: chr2-73450677-C-A. GRCh37 (hg19) VCF-style: chr2-73677804-C-A.
Other names: c.4153C>A, p.His1385Asn (NM_015120.4); short protein forms H1384N, H1385N.
Identifiers: ClinVar variation 1302679 (VCV001302679.2), dbSNP rs1228297685, ClinGen allele CA347277557.
Genomic context (GRCh38, chr2:73,450,677, plus strand): 5'-TCTGAACCAGTTGACCAGACAACTGGCACACCAACTGTAACCTCTACTTCTTACTCACAA[C>A]ATACAGAGAAGCCGAGTATTTTCTACCAACAGTCGTTGCCAGGTAGTCATCTAACTGAAG-3'
Protein context (NP_001365383.1, residues 1374-1394): PTVTSTSYSQ[His1384Asn]TEKPSIFYQQ

ClinVar aggregate classification (germline): Uncertain significance (1 of 4 stars; one submission).

Allele frequency attached by ClinVar (database versions not stated): gnomAD exomes below 0.00001.
gnomAD v4.1: 5 of 1,612,436 alleles (0.00031%); highest among the groups gnomAD compares: Non-Finnish European, 0.00042%; no homozygotes.

Submission:

GeneDx
Classification: Uncertain significance. Last evaluated: 2021-05-26. Review status: criteria provided, single submitter. Criteria: GeneDx Variant Classification Process June 2021. Collection method: clinical testing. Allele origin: germline. Affected: yes.
Comment: Not observed in large population cohorts (Lek et al., 2016); Has not been previously published as pathogenic or benign to our knowledge